The following is an entry in ClinVar:

NM_000443.4(ABCB4):c.1357-2A>C

Gene: ABCB4 (ATP binding cassette subfamily B member 4; minus strand). Cytogenetic location: 7q21.12.
Variant type: single nucleotide variant.
Coding change: c.1357-2A>C on transcript NM_000443.4 (MANE Select); the canonical splice acceptor site of the intron before coding-DNA position 1357, A replaced by C.
Molecular consequence: splice acceptor variant.
Genome position (GRCh38, 1-based): chr7:87,440,404, T>G on the plus strand (A>C on the coding strand, the complement: ABCB4 is on the minus strand). VCF-style: chr7-87440404-T-G. GRCh37 (hg19) VCF-style: chr7-87069720-T-G.
Other names: c.1357-2A>C (NM_018850.3, NM_018849.3).
Identifiers: ClinVar variation 812982 (VCV000812982.3), dbSNP rs1584742063, ClinGen allele CA368043096.

ClinVar aggregate classification (germline): Pathogenic. Review status: criteria provided, single submitter (1 of 4 stars). 2 submissions from 2 submitters: Pathogenic (1). 1 of the submissions does not count toward it. Last evaluated 2026-04-14.

Conditions:
Familial intrahepatic cholestasis. Identifiers: Orphanet 284385, MedGen CN296401, MONDO:0017290.
Cholestasis, intrahepatic, of pregnancy, 3. Identifiers: Orphanet 69665, MedGen C3554241, MONDO:0013995, OMIM 614972.

Submissions (2):

Genomenon, Inc
Classification: Pathogenic for Familial intrahepatic cholestasis. Last evaluated: 2026-04-14. Review status: criteria provided, single submitter. Criteria: Genomenon Sequence Variant Interpretation Standards - Updated. Collection method: curation. Allele origin: germline. Affected: yes.
Comment: ABCB4 c.1357-2A>C is a canonical splice variant affecting the acceptor splice site of intron 12. It is predicted to affect mRNA splicing, leading to a deleterious effect on the ABCB4 protein. This variant has been observed in at least one proband with an ABCB4-related disorder (PMID:32581362). It is absent or not present at a significant frequency in gnomAD. In conclusion, we classify ABCB4 c.1357-2A>C as a pathogenic variant.

NIHR Bioresource Rare Diseases, University of Cambridge
Classification: Likely pathogenic for Cholestasis, intrahepatic, of pregnancy, 3. Review status: no assertion criteria provided. Collection method: research. Allele origin: unknown. Affected: yes. Observed: 1 variant allele. Not counted in ClinVar's aggregate classification.

Literature cited by the submitters: PubMed 32581362 (cited by Genomenon, Inc and NIHR Bioresource Rare Diseases, University of Cambridge).